The following is an entry in ClinVar:

NM_016222.4(DDX41):c.250A>C (p.Asn84His)

Gene: DDX41 (DEAD-box helicase 41; minus strand). Cytogenetic location: 5q35.3.
Variant type: single nucleotide variant.
Coding change: c.250A>C on transcript NM_016222.4 (MANE Select); coding-DNA position 250, A replaced by C.
Protein change: p.Asn84His; replaces asparagine 84 with histidine.
Molecular consequence: missense variant. On other transcripts: 5 prime UTR variant (2).
Genome position (GRCh38, 1-based): chr5:177,516,336, T>G on the plus strand (A>C on the coding strand, the complement: DDX41 is on the minus strand). VCF-style: chr5-177516336-T-G. GRCh37 (hg19) VCF-style: chr5-176943337-T-G.
Other names: c.-129A>C (NM_001321732.2, NM_001321830.2); short protein forms N84H.
Identifiers: ClinVar variation 4869631 (VCV004869631.1).

ClinVar aggregate classification (germline): Uncertain significance (1 of 4 stars; one submission).

Conditions:
Inborn genetic diseases. Identifiers: MedGen C0950123, MeSH D030342.

Submission:

Ambry Genetics
Classification: Uncertain significance for Inborn genetic diseases. Last evaluated: 2026-03-30. Review status: criteria provided, single submitter. Criteria: Ambry Variant Classification Scheme 2023. Collection method: clinical testing. Allele origin: germline.
Comment: The p.N84H variant (also known as c.250A>C), located in coding exon 3 of the DDX41 gene, results from an A to C substitution at nucleotide position 250. The asparagine at codon 84 is replaced by histidine, an amino acid with similar properties. This amino acid position is conserved. In addition, this alteration is predicted to be tolerated by in silico analysis. Based on the available evidence, the clinical significance of this variant remains unclear.